The following is an entry in ClinVar:

ClinVar aggregate classification (germline): Uncertain significance. Review status: criteria provided, multiple submitters, no conflicts (2 of 4 stars). 2 submissions from 2 submitters: Uncertain significance (2). Last evaluated 2022-05-30.

Conditions:
Isolated microphthalmia 5. Also called: Posterior Microphthalmia with Retinitis Pigmentosa, Foveoschisis, and Optic Disc Drusen. Identifiers: Orphanet 251279, MedGen C1970236, MONDO:0012605, OMIM 611040.

Allele frequency attached by ClinVar (database versions not stated): TOPMed 0.00001.
gnomAD v4.1: 4 of 1,613,800 alleles (0.00025%); highest among the groups gnomAD compares: Non-Finnish European, 0.00034%; no homozygotes.

Submissions (2):

Labcorp Genetics (formerly Invitae), Labcorp
Classification: Uncertain significance for Isolated microphthalmia 5. Last evaluated: 2022-05-30. Review status: criteria provided, single submitter. Criteria: Invitae Variant Classification Sherloc (09022015). Collection method: clinical testing. Allele origin: germline.
Comment: In summary, the available evidence is currently insufficient to determine the role of this variant in disease. Therefore, it has been classified as a Variant of Uncertain Significance. Algorithms developed to predict the effect of missense changes on protein structure and function (SIFT, PolyPhen-2, Align-GVGD) all suggest that this variant is likely to be tolerated. This variant has not been reported in the literature in individuals affected with MFRP-related conditions. This variant is not present in population databases (gnomAD no frequency). This sequence change replaces isoleucine, which is neutral and non-polar, with valine, which is neutral and non-polar, at codon 339 of the MFRP protein (p.Ile339Val).

Blueprint Genetics
Classification: Uncertain significance. Last evaluated: 2019-08-11. Review status: criteria provided, single submitter. Criteria: ACMG Guidelines, 2015. Collection method: clinical testing. Allele origin: germline.

NM_031433.4(MFRP):c.1015A>G (p.Ile339Val)

Genes: C1QTNF5 (C1q and TNF related 5; minus strand), MFRP (membrane frizzled-related protein; minus strand). Cytogenetic location: 11q23.3.
Variant type: single nucleotide variant.
Coding change: c.1015A>G on transcript NM_031433.4 (MANE Select); coding-DNA position 1015, A replaced by G.
Protein change: p.Ile339Val; replaces isoleucine 339 with valine.
Molecular consequence: missense variant. On other transcripts: 5 prime UTR variant (1).
Genome position (GRCh38, 1-based): chr11:119,343,925, T>C on the plus strand (A>G on the coding strand, the complement: MFRP is on the minus strand). VCF-style: chr11-119343925-T-C. GRCh37 (hg19) VCF-style: chr11-119214635-T-C.
Other names: c.-1622A>G (NM_015645.5); short protein forms I339V.
Identifiers: ClinVar variation 2157647 (VCV002157647.4), dbSNP rs1950529810, ClinGen allele CA382975578.
Genomic context (GRCh38, chr11:119,343,925, plus strand): 5'-CGTAGTCAAACTTGCACTCGTCCTGAGCCTCCAGGCTGAAGTTGTGGAACTGTAGTTCTA[T>C]GCTGTGTCCGGCAGGCACCGAGATATGCCAGGTGCAGAGCTGGGGGAGGGCATAGGTGGA-3'
Protein context (NP_113621.1, residues 329-349): WHISVPAGHS[Ile339Val]ELQFHNFSLE